The following is an entry in ClinVar:

ClinVar aggregate classification (germline): Uncertain significance (1 of 4 stars; one submission).

Submission:

GeneDx
Classification: Uncertain significance. Last evaluated: 2025-02-26. Review status: criteria provided, single submitter. Criteria: GeneDx Variant Classification Process June 2021. Collection method: clinical testing. Allele origin: germline. Affected: yes.
Comment: Not observed at significant frequency in large population cohorts (gnomAD); In silico analysis supports that this missense variant has a deleterious effect on protein structure/function; Has not been previously published as pathogenic or benign to our knowledge

NM_018082.6(POLR3B):c.2114T>C (p.Ile705Thr)

Gene: POLR3B (RNA polymerase III subunit B; plus strand). Cytogenetic location: 12q23.3.
Variant type: single nucleotide variant.
Coding change: c.2114T>C on transcript NM_018082.6 (MANE Select); coding-DNA position 2114, T replaced by C.
Protein change: p.Ile705Thr; replaces isoleucine 705 with threonine.
Molecular consequence: missense variant.
Genome position (GRCh38, 1-based): chr12:106,454,532, T>C. VCF-style: chr12-106454532-T-C. GRCh37 (hg19) VCF-style: chr12-106848310-T-C.
Other names: c.1940T>C, p.Ile647Thr (NM_001160708.2); short protein forms I647T, I705T.
Identifiers: ClinVar variation 4077238 (VCV004077238.1).
Genomic context (GRCh38, chr12:106,454,532, plus strand): 5'-TGTATTTTGTTTTCTCCCATATCAATGCAGGTACTATAGGATACAACCAGCGAAACAGAA[T>C]TGATACTCTCATGTATCTACTAGCATATCCACAAAAACCCATGGTTAAGACAAAAACCAT-3'
Protein context (NP_060552.4, residues 695-715): GTIGYNQRNR[Ile705Thr]DTLMYLLAYP